The following is an entry in ClinVar:

NM_198252.3(GSN):c.887-4A>G

Gene: GSN (gelsolin; plus strand). Cytogenetic location: 9q33.2.
Variant type: single nucleotide variant.
Coding change: c.887-4A>G on transcript NM_198252.3 (MANE Select); 4 bases into the intron before coding-DNA position 887, A replaced by G.
Molecular consequence: intron variant.
Genome position (GRCh38, 1-based): chr9:121,318,402, A>G. VCF-style: chr9-121318402-A-G. GRCh37 (hg19) VCF-style: chr9-124080680-A-G.
Other names: c.233-4A>G (NM_001353078.2); c.920-4A>G (NM_001353067.2, NM_001353063.2, NM_001353075.1 and 13 more transcripts); c.911-4A>G (NM_001258030.2); c.1040-4A>G (NM_000177.5); c.887-4A>G (NM_001127662.2, NM_001353062.1, NM_001353054.1 and 10 more transcripts); c.938-4A>G (NM_001258029.2); c.995-4A>G (NM_001127663.2); c.959-4A>G (NM_001353076.2).
Identifiers: ClinVar variation 2192830 (VCV002192830.4), dbSNP rs889985144, ClinGen allele CA199411927.

ClinVar aggregate classification (germline): Uncertain significance (1 of 4 stars; one submission).

Allele frequency attached by ClinVar (database versions not stated): gnomAD exomes 0.00001; gnomAD 0.00002; TOPMed 0.00002.
gnomAD v4.1: 21 of 1,612,580 alleles (0.0013%); highest among the groups gnomAD compares: Non-Finnish European, 0.0018%; no homozygotes.

Submission:

Labcorp Genetics (formerly Invitae), Labcorp
Classification: Uncertain significance. Last evaluated: 2024-03-13. Review status: criteria provided, single submitter. Criteria: Invitae Variant Classification Sherloc (09022015). Collection method: clinical testing. Allele origin: germline.
Comment: This sequence change falls in intron 7 of the GSN gene. It does not directly change the encoded amino acid sequence of the GSN protein. This variant is present in population databases (no rsID available, gnomAD 0.0009%). This variant has not been reported in the literature in individuals affected with GSN-related conditions. ClinVar contains an entry for this variant (Variation ID: 2192830). Algorithms developed to predict the effect of sequence changes on RNA splicing suggest that this variant may create or strengthen a splice site. In summary, the available evidence is currently insufficient to determine the role of this variant in disease. Therefore, it has been classified as a Variant of Uncertain Significance.